The following is an entry in ClinVar:

NM_004360.5(CDH1):c.741G>T (p.Glu247Asp)

Gene: CDH1 (cadherin 1; plus strand). Cytogenetic location: 16q22.1.
Variant type: single nucleotide variant.
Coding change: c.741G>T on transcript NM_004360.5 (MANE Select); coding-DNA position 741, G replaced by T.
Protein change: p.Glu247Asp; replaces glutamic acid 247 with aspartic acid.
Molecular consequence: missense variant. On other transcripts: 5 prime UTR variant (2).
Genome position (GRCh38, 1-based): chr16:68,810,250, G>T. VCF-style: chr16-68810250-G-T. GRCh37 (hg19) VCF-style: chr16-68844153-G-T.
Other names: c.741G>T, p.Glu247Asp (NM_001317184.2); c.-875G>T (NM_001317185.2); c.-1079G>T (NM_001317186.2); short protein forms E247D.
Identifiers: ClinVar variation 4710286 (VCV004710286.1).
Genomic context (GRCh38, chr16:68,810,250, plus strand): 5'-CTTTCAGCTCTTCTCTCACGCTGTGTCATCCAACGGGAATGCAGTTGAGGATCCAATGGA[G>T]ATTTTGATCACGGTAACCGATCAGAATGACAACAAGCCCGAATTCACCCAGGAGGTCTTT-3'
Protein context (NP_004351.1, residues 237-257): SNGNAVEDPM[Glu247Asp]ILITVTDQND

ClinVar aggregate classification (germline): Uncertain significance (1 of 4 stars; one submission).

Conditions:
Hereditary diffuse gastric adenocarcinoma (HDGC). Also called: DIFFUSE GASTRIC AND LOBULAR BREAST CANCER SYNDROME. Identifiers: Orphanet 26106, MedGen C1708349, MONDO:0007648, OMIM 137215.

Submission:

Labcorp Genetics (formerly Invitae), Labcorp
Classification: Uncertain significance for Hereditary diffuse gastric adenocarcinoma. Last evaluated: 2025-07-31. Review status: criteria provided, single submitter. Criteria: Invitae Variant Classification Sherloc (09022015). Collection method: clinical testing. Allele origin: germline.
Comment: This sequence change replaces glutamic acid, which is acidic and polar, with aspartic acid, which is acidic and polar, at codon 247 of the CDH1 protein (p.Glu247Asp). This variant is not present in population databases (gnomAD no frequency). This variant has not been reported in the literature in individuals affected with CDH1-related conditions. An algorithm developed to predict the effect of missense changes on protein structure and function (PolyPhen-2) suggests that this variant is likely to be disruptive. In summary, the available evidence is currently insufficient to determine the role of this variant in disease. Therefore, it has been classified as a Variant of Uncertain Significance.